The following is an entry in ClinVar:

NM_000321.3(RB1):c.505T>C (p.Cys169Arg)

Gene: RB1 (RB transcriptional corepressor 1; plus strand). Cytogenetic location: 13q14.2.
Variant type: single nucleotide variant.
Coding change: c.505T>C on transcript NM_000321.3 (MANE Select); coding-DNA position 505, T replaced by C.
Protein change: p.Cys169Arg; replaces cysteine 169 with arginine.
Molecular consequence: missense variant.
Genome position (GRCh38, 1-based): chr13:48,347,829, T>C. VCF-style: chr13-48347829-T-C. GRCh37 (hg19) VCF-style: chr13-48921965-T-C.
Other names: c.505T>C, p.Cys169Arg (NM_001407165.1, NM_001407166.1); short protein forms C169R.
Identifiers: ClinVar variation 3074762 (VCV003074762.3), dbSNP rs2542163599, ClinGen allele CA388156784.
Genomic context (GRCh38, chr13:48,347,829, plus strand): 5'-CTATGACTTCTAAATTACGAAAAAATGTTAAAAAGTCATAATGTTTTTCTTTTCAGGACA[T>C]GTGAACTTATATATTTGACACAACCCAGCAGTTCGTAAGTAGTTCACAGAATGTTATTTT-3'
Protein context (NP_000312.2, residues 159-179): FALFSKLERT[Cys169Arg]ELIYLTQPSS

ClinVar aggregate classification (germline): Uncertain significance. Review status: criteria provided, multiple submitters, no conflicts (2 of 4 stars). 2 submissions from 2 submitters: Uncertain significance (2). Last evaluated 2024-05-14.

Conditions:
Retinoblastoma (RB1). Also called: RETINOBLASTOMA, SOMATIC. Identifiers: Orphanet 790, MedGen C0035335, MeSH D012175, MONDO:0008380, OMIM 180200, HP:0009919. Disease mechanism: loss of function. Inheritance: Both sporadic and heritable forms are tested..

Submissions (2):

Labcorp Genetics (formerly Invitae), Labcorp
Classification: Uncertain significance for Retinoblastoma. Last evaluated: 2024-05-14. Review status: criteria provided, single submitter. Criteria: Invitae Variant Classification Sherloc (09022015). Collection method: clinical testing. Allele origin: germline.
Comment: This sequence change replaces cysteine, which is neutral and slightly polar, with arginine, which is basic and polar, at codon 169 of the RB1 protein (p.Cys169Arg). This variant is not present in population databases (gnomAD no frequency). This variant has not been reported in the literature in individuals affected with RB1-related conditions. Advanced modeling of protein sequence and biophysical properties (such as structural, functional, and spatial information, amino acid conservation, physicochemical variation, residue mobility, and thermodynamic stability) performed at Invitae indicates that this missense variant is expected to disrupt RB1 protein function with a positive predictive value of 80%. In summary, the available evidence is currently insufficient to determine the role of this variant in disease. Therefore, it has been classified as a Variant of Uncertain Significance.

All of Us Research Program, National Institutes of Health
Classification: Uncertain significance for Retinoblastoma. Last evaluated: 2023-12-13. Review status: criteria provided, single submitter. Criteria: ACMG Guidelines, 2015. Collection method: clinical testing. Allele origin: germline. Inheritance: Autosomal dominant inheritance. Observed: 1 variant allele, 1 heterozygote.
Comment: This missense variant replaces cysteine with arginine at codon 169 of the RB1 protein. Computational prediction suggests that this variant may have deleterious impact on protein structure and function (internally defined REVEL score threshold >= 0.7, PMID: 27666373). To our knowledge, functional studies have not been reported for this variant. This variant has not been reported in individuals affected with RB1-related disorders in the literature. This variant has not been identified in the general population by the Genome Aggregation Database (gnomAD). The available evidence is insufficient to determine the role of this variant in disease conclusively. Therefore, this variant is classified as a Variant of Uncertain Significance.

This study involves interpretation of variants in research participants for the purpose of population health screening. Participant phenotype was not available at the time of variant classification. Additional details can be found in publication PMID: 35346344, PMCID: PMC8962531